The following is an entry in ClinVar:

ClinVar aggregate classification (germline): Pathogenic (1 of 4 stars; one submission).

Submission:

GeneDx
Classification: Pathogenic. Last evaluated: 2019-01-04. Review status: criteria provided, single submitter. Criteria: GeneDx Variant Classification (06012015). Collection method: clinical testing. Allele origin: germline. Affected: yes.
Comment: The c.1473_1476dupAGCA variant in the KAT6A gene has not been published as a pathogenic variant, nor has it been reported as a benign variant to our knowledge. The c.1473_1476dupAGCA variant causes a frameshift starting with codon Leucine 493, changes this amino acid to a Serine residue and creates a premature Stop codon at position 12 of the new reading frame, denoted p.Leu493SerfsX12. This pathogenic variant is predicted to cause loss of normal protein function either through protein truncation or nonsense-mediated mRNA decay. The c.1473_1476dupAGCA variant is not observed in large population cohorts (Lek et al., 2016). Therefore, c.1473_1476dupAGCA is considered a pathogenic variant.

NM_006766.5(KAT6A):c.1473_1476dup (p.Leu493fs)

Gene: KAT6A (lysine acetyltransferase 6A; minus strand). Cytogenetic location: 8p11.21.
Variant type: Duplication.
Coding change: c.1473_1476dup on transcript NM_006766.5 (MANE Select); coding-DNA positions 1473 to 1476, 4 bases duplicated (AGCA; older notation c.1473_1476dupAGCA).
Protein change: p.Leu493fs; shifts the reading frame from leucine 493.
Molecular consequence: frameshift variant.
Genome position (GRCh38, 1-based): chr8:41,974,710-41,974,713, TGCT duplicated on the plus strand (AGCA on the coding strand, the reverse complement: KAT6A is on the minus strand); duplicating any 4 consecutive bases within chr8:41,974,710-41,974,715 gives the same sequence; the c. name uses the placement nearest the transcript's 3' end. VCF-style (leftmost placement, unchanged base first): chr8-41974709-G-GTGCT. GRCh37 (hg19) VCF-style: chr8-41832227-G-GTGCT.
Other names: c.1473_1476dup, p.Leu493fs (NM_001305878.2); short protein forms L493fs.
Identifiers: ClinVar variation 817975 (VCV000817975.1), dbSNP rs1587767856, ClinGen allele CA915945672.